The following is an entry in ClinVar:

ClinVar aggregate classification (germline): Uncertain significance (1 of 4 stars; one submission).

Submission:

GeneDx
Classification: Uncertain significance. Last evaluated: 2025-08-09. Review status: criteria provided, single submitter. Criteria: GeneDx Variant Classification Process June 2021. Collection method: clinical testing. Allele origin: germline. Affected: yes.
Comment: Not observed at significant frequency in large population cohorts (gnomAD); In-frame deletion of 1 amino acid in a non-repeat region; In silico analysis suggests that this variant does not alter protein structure/function; Has not been previously published as pathogenic or benign to our knowledge

NM_017433.5(MYO3A):c.4141ACA[1] (p.Thr1382del)

Gene: MYO3A (myosin IIIA; plus strand). Cytogenetic location: 10p12.1.
Variant type: Microsatellite.
Coding change: c.4141ACA[1] on transcript NM_017433.5 (MANE Select); one copy of the 3-base unit ACA starting at c.4141; the reference has two copies in a row; one copy, 3 bases deleted.
Protein change: p.Thr1382del; deletes threonine 1382.
Genome position (GRCh38, 1-based): chr10:26,174,408-26,174,410, ACA deleted; deleting any 3 consecutive bases within chr10:26,174,405-26,174,410 gives the same sequence; the position shown is the placement nearest the transcript's 3' end. VCF-style (leftmost placement, unchanged base first): chr10-26174404-CACA-C. GRCh37 (hg19) VCF-style: chr10-26463333-CACA-C.
Other names: short protein forms T1382del.
Identifiers: ClinVar variation 4756051 (VCV004756051.1).